The following is an entry in ClinVar:

NM_006393.3(NEBL):c.2638T>G (p.Trp880Gly)

Gene: NEBL (nebulette; minus strand). Cytogenetic location: 10p12.31.
Variant type: single nucleotide variant.
Coding change: c.2638T>G on transcript NM_006393.3 (MANE Select); coding-DNA position 2638, T replaced by G.
Protein change: p.Trp880Gly; replaces tryptophan 880 with glycine.
Molecular consequence: missense variant. On other transcripts: intron variant (9).
Genome position (GRCh38, 1-based): chr10:20,808,633, A>C on the plus strand (T>G on the coding strand, the complement: NEBL is on the minus strand). VCF-style: chr10-20808633-A-C. GRCh37 (hg19) VCF-style: chr10-21097562-A-C.
Other names: c.421+4136T>G (NM_001377326.1, NM_001377327.1, NM_001377328.1); c.529+4136T>G (NM_213569.2, NM_001173484.2); c.622+1173T>G (NM_001377322.1); c.472+4136T>G (NM_001377324.1); c.463+4136T>G (NM_001377325.1); c.481+4136T>G (NM_001377323.1); short protein forms W880G.
Identifiers: ClinVar variation 3878609 (VCV003878609.1).

ClinVar aggregate classification (germline): Uncertain significance (1 of 4 stars; one submission).

gnomAD v4.1: 6 of 1,613,526 alleles (0.00037%); highest among the groups gnomAD compares: Middle Eastern, 0.033%; no homozygotes.

Submission:

Ambry Genetics
Classification: Uncertain significance. Last evaluated: 2025-01-06. Review status: criteria provided, single submitter. Criteria: Ambry Variant Classification Scheme 2023. Collection method: clinical testing. Allele origin: germline.
Comment: The p.W880G variant (also known as c.2638T>G), located in coding exon 26 of the NEBL gene, results from a T to G substitution at nucleotide position 2638. The tryptophan at codon 880 is replaced by glycine, an amino acid with highly dissimilar properties. This amino acid position is conserved. In addition, this alteration is predicted to be tolerated by in silico analysis. Based on the available evidence, the clinical significance of this variant remains unclear.